The following is an entry in ClinVar:

NM_001942.4(DSG1):c.2072T>G (p.Met691Arg)

Genes: DSG1 (desmoglein 1; plus strand), DSG1-AS1 (DSG1 antisense RNA 1; minus strand). Cytogenetic location: 18q12.1.
Variant type: single nucleotide variant.
Coding change: c.2072T>G on transcript NM_001942.4 (MANE Select); coding-DNA position 2072, T replaced by G.
Protein change: p.Met691Arg; replaces methionine 691 with arginine.
Molecular consequence: missense variant.
Genome position (GRCh38, 1-based): chr18:31,346,170, T>G. VCF-style: chr18-31346170-T-G. GRCh37 (hg19) VCF-style: chr18-28926133-T-G.
Other names: short protein forms M691R.
Identifiers: ClinVar variation 2740310 (VCV002740310.3), dbSNP rs1325655461, ClinGen allele CA402118988.

ClinVar aggregate classification (germline): Uncertain significance (1 of 4 stars; one submission).

gnomAD v4.1: 3 of 1,613,872 alleles (0.00019%); highest among the groups gnomAD compares: Non-Finnish European, 0.00025%; no homozygotes.

Submission:

Labcorp Genetics (formerly Invitae), Labcorp
Classification: Uncertain significance. Last evaluated: 2023-05-27. Review status: criteria provided, single submitter. Criteria: Invitae Variant Classification Sherloc (09022015). Collection method: clinical testing. Allele origin: germline.
Comment: In summary, the available evidence is currently insufficient to determine the role of this variant in disease. Therefore, it has been classified as a Variant of Uncertain Significance. Advanced modeling of protein sequence and biophysical properties (such as structural, functional, and spatial information, amino acid conservation, physicochemical variation, residue mobility, and thermodynamic stability) performed at Invitae indicates that this missense variant is not expected to disrupt DSG1 protein function. This variant has not been reported in the literature in individuals affected with DSG1-related conditions. This variant is not present in population databases (gnomAD no frequency). This sequence change replaces methionine, which is neutral and non-polar, with arginine, which is basic and polar, at codon 691 of the DSG1 protein (p.Met691Arg).